The following is an entry in ClinVar:

NM_004448.4(ERBB2):c.3550G>A (p.Val1184Ile)

Gene: ERBB2 (erb-b2 receptor tyrosine kinase 2; plus strand). Cytogenetic location: 17q12.
Variant type: single nucleotide variant.
Coding change: c.3550G>A on transcript NM_004448.4 (MANE Select); coding-DNA position 3550, G replaced by A.
Protein change: p.Val1184Ile; replaces valine 1184 with isoleucine.
Molecular consequence: missense variant. On other transcripts: 3 prime UTR variant (2), non-coding transcript variant (1).
Genome position (GRCh38, 1-based): chr17:39,727,826, G>A. VCF-style: chr17-39727826-G-A. GRCh37 (hg19) VCF-style: chr17-37884079-G-A.
Other names: c.3460G>A, p.Val1154Ile (NM_001005862.3, NM_001382782.1, NM_001382783.1); c.3505G>A, p.Val1169Ile (NM_001289936.2); c.*129G>A (NM_001289937.2, NM_001382803.1); c.3667G>A, p.Val1223Ile (NM_001382784.1); c.3652G>A, p.Val1218Ile (NM_001382785.1); c.3631G>A, p.Val1211Ile (NM_001382786.1); c.3625G>A, p.Val1209Ile (NM_001382787.1); c.3580G>A, p.Val1194Ile (NM_001382788.1); and 16 more; short protein forms V1098I, V1154I, V1170I, V1184I, V1211I, V838I, V1122I, V1132I.
Identifiers: ClinVar variation 1439345 (VCV001439345.8), dbSNP rs761715861, ClinGen allele CA8534585.

ClinVar aggregate classification (germline): Uncertain significance (1 of 4 stars; one submission).

Allele frequency attached by ClinVar (database versions not stated): ExAC 0.00001; gnomAD 0.00001; gnomAD exomes 0.00001.
gnomAD v4.1: 9 of 1,613,960 alleles (0.00056%); highest among the groups gnomAD compares: Admixed American, 0.0033%; no homozygotes.

Submission:

Labcorp Genetics (formerly Invitae), Labcorp
Classification: Uncertain significance. Last evaluated: 2022-10-13. Review status: criteria provided, single submitter. Criteria: Invitae Variant Classification Sherloc (09022015). Collection method: clinical testing. Allele origin: germline.
Comment: ClinVar contains an entry for this variant (Variation ID: 1439345). In summary, the available evidence is currently insufficient to determine the role of this variant in disease. Therefore, it has been classified as a Variant of Uncertain Significance. Algorithms developed to predict the effect of missense changes on protein structure and function output the following: SIFT: "Tolerated"; PolyPhen-2: "Benign"; Align-GVGD: "Class C0". The isoleucine amino acid residue is found in multiple mammalian species, which suggests that this missense change does not adversely affect protein function. This variant has not been reported in the literature in individuals affected with ERBB2-related conditions. This variant is present in population databases (rs761715861, gnomAD 0.006%). This sequence change replaces valine, which is neutral and non-polar, with isoleucine, which is neutral and non-polar, at codon 1184 of the ERBB2 protein (p.Val1184Ile).